The following is an entry in ClinVar:

ClinVar aggregate classification (germline): Uncertain significance. Review status: criteria provided, multiple submitters, no conflicts (2 of 4 stars). 2 submissions from 2 submitters: Uncertain significance (2). Last evaluated 2024-04-22.

Conditions:
Progressive myoclonic epilepsy. Also called: Myoclonic Epilepsies, Progressive; Myoclonus epilepsy; Familial progressive myoclonic epilepsy; Progressive myoclonus epilepsy. Identifiers: Orphanet 308, Orphanet 98261, MedGen C0751778, MONDO:0020074.
Action myoclonus-renal failure syndrome. Also called: MYOCLONUS-NEPHROPATHY SYNDROME; SCARB2-Related Action Myoclonus-Renal Failure Syndrome; EPILEPSY, PROGRESSIVE MYOCLONIC, 4, WITH RENAL FAILURE; EPILEPSY, PROGRESSIVE MYOCLONIC, 4, WITHOUT RENAL FAILURE. Identifiers: Orphanet 163696, MedGen C0751779, MeSH D020191, MONDO:0009699, OMIM 254900.

Allele frequency attached by ClinVar (database versions not stated): gnomAD 0.00001; TOPMed 0.00001.
gnomAD v4.1: 7 of 1,614,020 alleles (0.00043%); highest among the groups gnomAD compares: Non-Finnish European, 0.000085%; no homozygotes.

Submissions (2):

Fulgent Genetics
Classification: Uncertain significance for Action myoclonus-renal failure syndrome. Last evaluated: 2024-04-22. Review status: criteria provided, single submitter. Criteria: ACMG Guidelines, 2015. Collection method: clinical testing. Allele origin: germline.

Labcorp Genetics (formerly Invitae), Labcorp
Classification: Uncertain significance for Progressive myoclonic epilepsy. Last evaluated: 2020-08-27. Review status: criteria provided, single submitter. Criteria: Invitae Variant Classification Sherloc (09022015). Collection method: clinical testing. Allele origin: germline.
Comment: This sequence change replaces alanine with proline at codon 457 of the SCARB2 protein (p.Ala457Pro). The alanine residue is moderately conserved and there is a small physicochemical difference between alanine and proline. This variant is present in population databases (rs757381866, ExAC 0.001%). This variant has not been reported in the literature in individuals with SCARB2-related conditions. Algorithms developed to predict the effect of missense changes on protein structure and function are either unavailable or do not agree on the potential impact of this missense change (SIFT: "Tolerated"; PolyPhen-2: "Possibly Damaging"; Align-GVGD: "Class C0"). In summary, the available evidence is currently insufficient to determine the role of this variant in disease. Therefore, it has been classified as a Variant of Uncertain Significance.

NM_005506.4(SCARB2):c.1369G>C (p.Ala457Pro)

Gene: SCARB2 (scavenger receptor class B member 2; minus strand). Cytogenetic location: 4q21.1.
Variant type: single nucleotide variant.
Coding change: c.1369G>C on transcript NM_005506.4 (MANE Select); coding-DNA position 1369, G replaced by C.
Protein change: p.Ala457Pro; replaces alanine 457 with proline.
Molecular consequence: missense variant.
Genome position (GRCh38, 1-based): chr4:76,163,254, C>G on the plus strand (G>C on the coding strand, the complement: SCARB2 is on the minus strand). VCF-style: chr4-76163254-C-G. GRCh37 (hg19) VCF-style: chr4-77084407-C-G.
Other names: c.940G>C, p.Ala314Pro (NM_001204255.2); short protein forms A314P, A457P.
Identifiers: ClinVar variation 1003116 (VCV001003116.11), dbSNP rs757381866, ClinGen allele CA2970112.